The following is an entry in ClinVar:

ClinVar aggregate classification (germline): Conflicting classifications of pathogenicity. Review status: criteria provided, conflicting classifications (1 of 4 stars). 2 submissions from 2 submitters: Uncertain significance (1); Likely benign (1). Last evaluated 2024-04-01.

Allele frequency attached by ClinVar (database versions not stated): gnomAD exomes 0.00004; gnomAD 0.00005; TOPMed 0.00011.
gnomAD v4.1: 56 of 1,536,540 alleles (0.0036%); highest among the groups gnomAD compares: African/African-American, 0.018%; no homozygotes.

Submissions (2):

CeGaT Center for Human Genetics Tuebingen
Classification: Likely benign. Last evaluated: 2024-04-01. Review status: criteria provided, single submitter. Criteria: CeGaT Center For Human Genetics Tuebingen Variant Classification Criteria Version 2. Collection method: clinical testing. Allele origin: germline. Affected: yes. Observed: 1 variant allele.
Comment: ZFHX2: BP4

Ambry Genetics
Classification: Uncertain significance. Last evaluated: 2021-07-09. Review status: criteria provided, single submitter. Criteria: Ambry Variant Classification Scheme 2023. Collection method: clinical testing. Allele origin: germline.

NM_033400.3(ZFHX2):c.896G>A (p.Arg299His)

Genes: THTPA (thiamine triphosphatase; plus strand), ZFHX2 (zinc finger homeobox 2; minus strand). Cytogenetic location: 14q11.2.
Variant type: single nucleotide variant.
Coding change: c.896G>A on transcript NM_033400.3 (MANE Select); coding-DNA position 896, G replaced by A.
Protein change: p.Arg299His; replaces arginine 299 with histidine.
Molecular consequence: missense variant.
Genome position (GRCh38, 1-based): chr14:23,534,430, C>T on the plus strand (G>A on the coding strand, the complement: ZFHX2 is on the minus strand). VCF-style: chr14-23534430-C-T. GRCh37 (hg19) VCF-style: chr14-24003639-C-T.
Other names: short protein forms R299H.
Identifiers: ClinVar variation 2387763 (VCV002387763.22), dbSNP rs1055701850, ClinGen allele CA257798380.